The following is an entry in ClinVar:

ClinVar aggregate classification (germline): Uncertain significance (1 of 4 stars; one submission).

Conditions:
Familial melanoma. Also called: Hereditary melanoma; Hereditary cutaneous melanoma. Identifiers: Orphanet 618, MedGen C1512419, MONDO:0018961.

gnomAD v4.1: 2 of 1,612,502 alleles (0.00012%); highest among the groups gnomAD compares: Non-Finnish European, 0.00017%; no homozygotes.

Submission:

Labcorp Genetics (formerly Invitae), Labcorp
Classification: Uncertain significance for Familial melanoma. Last evaluated: 2025-02-23. Review status: criteria provided, single submitter. Criteria: Invitae Variant Classification Sherloc (09022015). Collection method: clinical testing. Allele origin: germline.
Comment: This sequence change replaces alanine, which is neutral and non-polar, with threonine, which is neutral and polar, at codon 30 of the CDKN2A (p16INK4a) protein (p.Ala30Thr). This variant is not present in population databases (gnomAD no frequency). This variant has not been reported in the literature in individuals affected with CDKN2A (p16INK4a)-related conditions. An algorithm developed to predict the effect of missense changes on protein structure and function (PolyPhen-2) suggests that this variant is likely to be disruptive. In summary, the available evidence is currently insufficient to determine the role of this variant in disease. Therefore, it has been classified as a Variant of Uncertain Significance.

NM_000077.5(CDKN2A):c.88G>A (p.Ala30Thr)

Gene: CDKN2A (cyclin dependent kinase inhibitor 2A; minus strand). Cytogenetic location: 9p21.3.
Variant type: single nucleotide variant.
Coding change: c.88G>A on transcript NM_000077.5; coding-DNA position 88, G replaced by A.
Protein change: p.Ala30Thr; replaces alanine 30 with threonine.
Molecular consequence: missense variant (on NM_000077.6). On other transcripts: intron variant (2).
Genome position (GRCh38, 1-based): chr9:21,974,740, C>T on the plus strand (G>A on the coding strand, the complement: CDKN2A is on the minus strand). VCF-style: chr9-21974740-C-T. GRCh37 (hg19) VCF-style: chr9-21974739-C-T.
Other names: c.88G>A, p.Ala30Thr (NM_000077.6, NM_001195132.2, NM_058197.5); c.-3-3532G>A (NM_001363763.2); c.194-3532G>A (NM_058195.4); short protein forms A30T.
Identifiers: ClinVar variation 4713680 (VCV004713680.1).